The following is an entry in ClinVar:

ClinVar aggregate classification (germline): Likely benign. Review status: criteria provided, multiple submitters, no conflicts (2 of 4 stars). 5 submissions from 5 submitters: Likely benign (4). 1 of the submissions does not count toward it. Last evaluated 2026-03-01.

Conditions:
KMT2A-related disorder. Also called: KMT2A-related condition.

Allele frequency attached by ClinVar (database versions not stated): ExAC 0.00004; gnomAD exomes 0.00007 and 0.00009; ESP Exome Variant Server 0.00008; TOPMed 0.00009; gnomAD 0.00010; 1000 Genomes Project 0.00020; 1000 Genomes Project 30x 0.00031.
gnomAD v4.1: 149 of 1,613,994 alleles (0.0092%); highest among the groups gnomAD compares: Middle Eastern, 0.016%; no homozygotes.

Submissions (5):

CeGaT Center for Human Genetics Tuebingen
Classification: Likely benign. Last evaluated: 2026-03-01. Review status: criteria provided, single submitter. Criteria: CeGaT Center For Human Genetics Tuebingen Variant Classification Criteria Version 2. Collection method: clinical testing. Allele origin: germline. Affected: yes. Observed: 3 variant alleles.
Comment: KMT2A: BP4, BP7

Labcorp Genetics (formerly Invitae), Labcorp
Classification: Likely benign. Last evaluated: 2025-12-16. Review status: criteria provided, single submitter. Criteria: Invitae Variant Classification Sherloc (09022015). Collection method: clinical testing. Allele origin: germline.

Blueprint Genetics
Classification: Likely benign. Last evaluated: 2024-09-06. Review status: criteria provided, single submitter. Criteria: ACMG Guidelines, 2015. Collection method: clinical testing. Allele origin: germline.

GeneDx
Classification: Likely benign. Last evaluated: 2020-07-20. Review status: criteria provided, single submitter. Criteria: GeneDx Variant Classification Process June 2021. Collection method: clinical testing. Allele origin: germline. Affected: yes.

PreventionGenetics, part of Exact Sciences
Classification: Likely benign for KMT2A-related condition. Last evaluated: 2019-04-30. Review status: no assertion criteria provided. Collection method: clinical testing. Allele origin: germline. Not counted in ClinVar's aggregate classification.
Comment: This variant is classified as likely benign based on ACMG/AMP sequence variant interpretation guidelines (Richards et al. 2015 PMID: 25741868, with internal and published modifications).

NM_001197104.2(KMT2A):c.810T>C (p.Ile270=)

Gene: KMT2A (lysine methyltransferase 2A; plus strand). Cytogenetic location: 11q23.3.
Variant type: single nucleotide variant.
Coding change: c.810T>C on transcript NM_001197104.2 (MANE Select); coding-DNA position 810, T replaced by C.
Protein change: p.Ile270=; no amino-acid change (isoleucine 270 retained).
Molecular consequence: synonymous variant.
Genome position (GRCh38, 1-based): chr11:118,471,969, T>C. VCF-style: chr11-118471969-T-C. GRCh37 (hg19) VCF-style: chr11-118342684-T-C.
Other names: c.810T>C, p.Ile270= (NM_005933.4).
Identifiers: ClinVar variation 1145640 (VCV001145640.37), dbSNP rs144694397, ClinGen allele CA6303344.
Genomic context (GRCh38, chr11:118,471,969, plus strand): 5'-AGATAGCCTGAAAAAAATTAAAAGGACACCTTCTGCTACGTTTCAGCAAGCCACAAAGAT[T>C]AAAAAATTAAGAGCAGGTAAACTCTCTCCTCTCAAGTCTAAGTTTAAGACAGGGAAGCTT-3'
Protein context (NP_001184033.1, residues 260-280): PSATFQQATK[Ile270=]KKLRAGKLSP